The following is an entry in ClinVar:

NM_002661.5(PLCG2):c.3310G>A (p.Val1104Met)

Gene: PLCG2 (phospholipase C gamma 2; plus strand). Cytogenetic location: 16q23.3.
Variant type: single nucleotide variant.
Coding change: c.3310G>A on transcript NM_002661.5 (MANE Select); coding-DNA position 3310, G replaced by A.
Protein change: p.Val1104Met; replaces valine 1104 with methionine.
Molecular consequence: missense variant.
Genome position (GRCh38, 1-based): chr16:81,938,912, G>A. VCF-style: chr16-81938912-G-A. GRCh37 (hg19) VCF-style: chr16-81972517-G-A.
Other names: short protein forms V1104M.
Identifiers: ClinVar variation 1438348 (VCV001438348.8), dbSNP rs1385319449, ClinGen allele CA396907727.

ClinVar aggregate classification (germline): Uncertain significance (1 of 4 stars; one submission).

Conditions:
Familial cold autoinflammatory syndrome 3 (FCAS3). Also called: FAMILIAL ATYPICAL COLD URTICARIA; ANTIBODY DEFICIENCY AND IMMUNE DYSREGULATION, PLCG2-ASSOCIATED. Identifiers: Orphanet 300359, MedGen C3280914, MONDO:0013766, OMIM 614468.

Allele frequency attached by ClinVar (database versions not stated): gnomAD exomes below 0.00001.
gnomAD v4.1: 4 of 1,589,852 alleles (0.00025%); highest among the groups gnomAD compares: South Asian, 0.0022%; no homozygotes.

Submission:

Labcorp Genetics (formerly Invitae), Labcorp
Classification: Uncertain significance for Familial cold autoinflammatory syndrome 3. Last evaluated: 2021-06-20. Review status: criteria provided, single submitter. Criteria: Invitae Variant Classification Sherloc (09022015). Collection method: clinical testing. Allele origin: germline.
Comment: In summary, the available evidence is currently insufficient to determine the role of this variant in disease. Therefore, it has been classified as a Variant of Uncertain Significance. Algorithms developed to predict the effect of missense changes on protein structure and function (SIFT, PolyPhen-2, Align-GVGD) all suggest that this variant is likely to be tolerated, but these predictions have not been confirmed by published functional studies and their clinical significance is uncertain. This sequence change replaces valine with methionine at codon 1104 of the PLCG2 protein (p.Val1104Met). The valine residue is moderately conserved and there is a small physicochemical difference between valine and methionine. This variant is not present in population databases (ExAC no frequency). This variant has not been reported in the literature in individuals with PLCG2-related conditions.